The following is an entry in ClinVar:

NM_006947.4(SRP72):c.767+1G>A

Gene: SRP72 (signal recognition particle 72; plus strand). Cytogenetic location: 4q12.
Variant type: single nucleotide variant.
Coding change: c.767+1G>A on transcript NM_006947.4 (MANE Select); the canonical splice donor site of the intron after coding-DNA position 767, G replaced by A.
Molecular consequence: splice donor variant. On other transcripts: intron variant (1).
Genome position (GRCh38, 1-based): chr4:56,478,504, G>A. VCF-style: chr4-56478504-G-A. GRCh37 (hg19) VCF-style: chr4-57344670-G-A.
Other names: NC_000004.11:g.57344670G>A; c.642+1802G>A (NM_001267722.2).
Identifiers: ClinVar variation 2442574 (VCV002442574.2), dbSNP rs2545754987, ClinGen allele CA356998024.
Genomic context (GRCh38, chr4:56,478,504, plus strand): 5'-GCAGCTTCAGGGTCGAACAGAGGAGGCTTTGCAACTTTACAATCAAATAATAAAACTAAA[G>A]TGAGTTATTAAAAGGAAGTGTCTTTTATAGGGGATGGGGTTCTTTTTAAAGGTTTGTTTG-3'

ClinVar aggregate classification (germline): Uncertain significance (1 of 4 stars; one submission).

Submissions (2):

GeneDx
Classification: Uncertain significance. Last evaluated: 2022-09-02. Review status: criteria provided, single submitter. Criteria: GeneDx Variant Classification Process June 2021. Collection method: clinical testing. Allele origin: germline. Affected: yes.
Comment: Not observed at significant frequency in large population cohorts (gnomAD); Canonical splice site variant in a gene or region of a gene for which loss of function is not a well-established mechanism of disease; Has not been previously published as pathogenic or benign to our knowledge

Dr. Peter K. Rogan Lab, Western University
No classification provided (evidence only). Condition: Colon adenocarcinoma. Review status: no classification provided. Collection method: in vitro. Allele origin: not applicable. Functional consequence: skipped exon. Not counted in ClinVar's aggregate classification.